The following is an entry in ClinVar:

NM_000038.6(APC):c.2066C>T (p.Ala689Val)

Gene: APC (APC regulator of Wnt signaling pathway; plus strand). Cytogenetic location: 5q22.2.
Variant type: single nucleotide variant.
Coding change: c.2066C>T on transcript NM_000038.6 (MANE Select); coding-DNA position 2066, C replaced by T.
Protein change: p.Ala689Val; replaces alanine 689 with valine.
Molecular consequence: missense variant. On other transcripts: non-coding transcript variant (2).
Genome position (GRCh38, 1-based): chr5:112,837,660, C>T. VCF-style: chr5-112837660-C-T. GRCh37 (hg19) VCF-style: chr5-112173357-C-T.
Other names: c.1763C>T, p.Ala588Val (NM_001407460.1, NM_001354903.2, NM_001407458.1 and 1 more transcripts); c.1679C>T, p.Ala560Val (NM_001407467.1, NM_001407469.1); c.1217C>T, p.Ala406Val (NM_001407470.1, NM_001354906.2); c.914C>T, p.Ala305Val (NM_001407471.1, NM_001407472.1); c.2066C>T, p.Ala689Val (NM_001127510.3, NM_001354895.2, NM_001407450.1); c.2012C>T, p.Ala671Val (NM_001127511.3); c.2120C>T, p.Ala707Val (NM_001354896.2, NM_001407447.1, NM_001407448.1 and 1 more transcripts); c.2096C>T, p.Ala699Val (NM_001354897.2); and 12 more; short protein forms A563V, A661V, A671V, A679V, A699V, A305V, A406V, A560V.
Identifiers: ClinVar variation 3635417 (VCV003635417.3).
Genomic context (GRCh38, chr5:112,837,660, plus strand): 5'-TAAAATCTCATAGTTTGACAATAGTCAGTAATGCATGTGGAACTTTGTGGAATCTCTCAG[C>T]AAGAAATCCTAAAGACCAGGAAGCATTATGGGACATGGGGGCAGTTAGCATGCTCAAGAA-3'
Protein context (NP_000029.2, residues 679-699): NACGTLWNLS[Ala689Val]RNPKDQEALW

ClinVar aggregate classification (germline): Uncertain significance. Review status: criteria provided, multiple submitters, no conflicts (2 of 4 stars). 2 submissions from 2 submitters: Uncertain significance (2). Last evaluated 2025-06-30.

Conditions:
Familial adenomatous polyposis 1 (FAP1). Also called: FAMILIAL ADENOMATOUS POLYPOSIS 1, ATTENUATED; POLYPOSIS, ADENOMATOUS INTESTINAL. Identifiers: MedGen C2713442, MONDO:0021056, OMIM 175100. Disease mechanism: loss of function.
Hereditary cancer-predisposing syndrome. Also called: Neoplastic Syndromes, Hereditary; Tumor predisposition; Hereditary Cancer Syndrome; Hereditary neoplastic syndrome. Identifiers: Orphanet 140162, MedGen C0027672, MeSH D009386, MONDO:0015356.

Submissions (2):

Ambry Genetics
Classification: Uncertain significance for Hereditary cancer-predisposing syndrome. Last evaluated: 2025-06-30. Review status: criteria provided, single submitter. Criteria: Ambry Variant Classification Scheme 2023. Collection method: clinical testing. Allele origin: germline.
Comment: The p.A689V variant (also known as c.2066C>T), located in coding exon 15 of the APC gene, results from a C to T substitution at nucleotide position 2066. The alanine at codon 689 is replaced by valine, an amino acid with similar properties. This amino acid position is conserved. In addition, in silico predictors for this gene do not accurately predict pathogenicity. Based on the available evidence, the clinical significance of this variant remains unclear.

Labcorp Genetics (formerly Invitae), Labcorp
Classification: Uncertain significance for Familial adenomatous polyposis 1. Last evaluated: 2025-01-16. Review status: criteria provided, single submitter. Criteria: Invitae Variant Classification Sherloc (09022015). Collection method: clinical testing. Allele origin: germline.
Comment: This sequence change replaces alanine, which is neutral and non-polar, with valine, which is neutral and non-polar, at codon 689 of the APC protein (p.Ala689Val). This variant is not present in population databases (gnomAD no frequency). This variant has not been reported in the literature in individuals affected with APC-related conditions. Invitae Evidence Modeling of protein sequence and biophysical properties (such as structural, functional, and spatial information, amino acid conservation, physicochemical variation, residue mobility, and thermodynamic stability) indicates that this missense variant is not expected to disrupt APC protein function with a negative predictive value of 95%. In summary, the available evidence is currently insufficient to determine the role of this variant in disease. Therefore, it has been classified as a Variant of Uncertain Significance.